The following is an entry in ClinVar:

ClinVar aggregate classification (germline): Uncertain significance (1 of 4 stars; one submission).

Allele frequency attached by ClinVar (database versions not stated): gnomAD 0.00003.

Submission:

Women's Health and Genetics/Laboratory Corporation of America, LabCorp
Classification: Uncertain significance. Last evaluated: 2025-01-30. Review status: criteria provided, single submitter. Criteria: LabCorp Variant Classification Summary - May 2015. Collection method: clinical testing. Allele origin: germline.
Comment: Variant summary: TTN c.31742-936A>G is located at a position not widely known to affect splicing. This variant corresponds to c.38657A>G, p.Glu12886Gly in NM_001267550. The frequency data for this variant in gnomAD is considered unreliable, as metrics indicate poor data quality at this position. To our knowledge, no occurrence of c.31742-936A>G in individuals affected with TTN-related conditions and no experimental evidence demonstrating its impact on protein function have been reported. ClinVar contains an entry for this variant (Variation ID: 3068815). Based on the evidence outlined above, the variant was classified as uncertain significance.

NM_001267550.2(TTN):c.38657A>G (p.Glu12886Gly)

Gene: TTN (titin; minus strand). Cytogenetic location: 2q31.2.
Variant type: single nucleotide variant.
Coding change: c.38657A>G on transcript NM_001267550.2 (MANE Select); coding-DNA position 38657, A replaced by G.
Protein change: p.Glu12886Gly; replaces glutamic acid 12886 with glycine.
Molecular consequence: missense variant. On other transcripts: intron variant (5).
Genome position (GRCh38, 1-based): chr2:178,653,477, T>C on the plus strand (A>G on the coding strand, the complement: TTN is on the minus strand). VCF-style: chr2-178653477-T-C. GRCh37 (hg19) VCF-style: chr2-179518204-T-C.
Other names: c.13283-11160A>G (NM_003319.4); c.13859-11160A>G (NM_133437.4); c.13658-11160A>G (NM_133432.3); c.31742-936A>G (NM_133378.4); c.34523-936A>G (NM_001256850.1); short protein forms E12886G.
Identifiers: ClinVar variation 3068815 (VCV003068815.3), dbSNP rs1445222896, ClinGen allele CA349469351.
Genomic context (GRCh38, chr2:178,653,477, plus strand): 5'-TGACAAGTACCTGTAACAGGTGGAACTTCTGGCTTTTTAGGAAGCACCAGTGTTTTCTTT[T>C]CTGGCACAATTTCTTGTGGGACTTCAGGCACTTGAAAGATATTAGTAGTTTTTCACTTAG-3'
Protein context (NP_001254479.2, residues 12876-12896): VPEVPQEIVP[Glu12886Gly]KKTLVLPKKP